The following is an entry in ClinVar:

ClinVar aggregate classification (germline): Uncertain significance (0 of 4 stars; one submission).

Conditions:
PCNT-related disorder. Also called: PCNT-related condition.

Submission:

PreventionGenetics, part of Exact Sciences
Classification: Uncertain significance for PCNT-related condition. Last evaluated: 2024-05-15. Review status: no assertion criteria provided. Collection method: clinical testing. Allele origin: germline.
Comment: The PCNT c.344A>G variant is predicted to result in the amino acid substitution p.Glu115Gly. To our knowledge, this variant has not been reported in the literature or in a large population database, indicating this variant is rare. At this time, the clinical significance of this variant is uncertain due to the absence of conclusive functional and genetic evidence.

NM_006031.6(PCNT):c.344A>G (p.Glu115Gly)

Gene: PCNT (pericentrin; plus strand). Cytogenetic location: 21q22.3.
Variant type: single nucleotide variant.
Coding change: c.344A>G on transcript NM_006031.6 (MANE Select); coding-DNA position 344, A replaced by G.
Protein change: p.Glu115Gly; replaces glutamic acid 115 with glycine.
Molecular consequence: missense variant. On other transcripts: 5 prime UTR variant (1).
Genome position (GRCh38, 1-based): chr21:46,334,473, A>G. VCF-style: chr21-46334473-A-G. GRCh37 (hg19) VCF-style: chr21-47754387-A-G.
Other names: c.-11A>G (NM_001315529.2); short protein forms E115G.
Identifiers: ClinVar variation 3345277 (VCV003345277.1).
Genomic context (GRCh38, chr21:46,334,473, plus strand): 5'-GAGAGAAGAGAGAGGACTTGGAACAGCTGCAGCAGAAGCAAGTCAATGACCATCCTCCAG[A>G]GCAGTGTGGGATGTTCACAGTCAGTGACCACCCACCAGAACAGCATGGGATGTTCACAGT-3'
Protein context (NP_006022.3, residues 105-125): QQKQVNDHPP[Glu115Gly]QCGMFTVSDH